The following is an entry in ClinVar:

NM_032119.4(ADGRV1):c.15044T>C (p.Ile5015Thr)

Gene: ADGRV1 (adhesion G protein-coupled receptor V1; plus strand). Cytogenetic location: 5q14.3.
Variant type: single nucleotide variant.
Coding change: c.15044T>C on transcript NM_032119.4 (MANE Select); coding-DNA position 15044, T replaced by C.
Protein change: p.Ile5015Thr; replaces isoleucine 5015 with threonine.
Molecular consequence: missense variant. On other transcripts: non-coding transcript variant (1).
Genome position (GRCh38, 1-based): chr5:90,810,304, T>C. VCF-style: chr5-90810304-T-C. GRCh37 (hg19) VCF-style: chr5-90106121-T-C.
Other names: short protein forms I5015T.
Identifiers: ClinVar variation 2576929 (VCV002576929.1), dbSNP rs1762320982, ClinGen allele CA360407318.

ClinVar aggregate classification (germline): Uncertain significance (1 of 4 stars; one submission).

Allele frequency attached by ClinVar (database versions not stated): gnomAD exomes below 0.00001; TOPMed 0.00001.
gnomAD v4.1: 1 of 1,608,272 alleles (0.000062%); highest among the groups gnomAD compares: South Asian, 0.0011%; no homozygotes.

Submission:

GeneDx
Classification: Uncertain significance. Last evaluated: 2023-02-21. Review status: criteria provided, single submitter. Criteria: GeneDx Variant Classification Process June 2021. Collection method: clinical testing. Allele origin: germline. Affected: yes.
Comment: Not observed at significant frequency in large population cohorts (gnomAD); In silico analysis supports that this missense variant does not alter protein structure/function; Has not been previously published as pathogenic or benign to our knowledge